The following is an entry in ClinVar:

NM_001035.3(RYR2):c.5154G>A (p.Arg1718=)

Gene: RYR2 (ryanodine receptor 2; plus strand). Cytogenetic location: 1q43.
Variant type: single nucleotide variant.
Coding change: c.5154G>A on transcript NM_001035.3 (MANE Select); coding-DNA position 5154, G replaced by A.
Protein change: p.Arg1718=; no amino-acid change (arginine 1718 retained).
Molecular consequence: synonymous variant.
Genome position (GRCh38, 1-based): chr1:237,614,282, G>A. VCF-style: chr1-237614282-G-A. GRCh37 (hg19) VCF-style: chr1-237777582-G-A.
Other names: p.R1718R:AGG>AGA; p.Arg1718=.
Identifiers: ClinVar variation 43800 (VCV000043800.64), dbSNP rs114534505, ClinGen allele CA009796.
Genomic context (GRCh38, chr1:237,614,282, plus strand): 5'-GCGTGCTGGCTACTATGACCTGCTGATTGACATCCACCTGAGCTCCTATGCCACTGCCAG[G>A]CTCATGATGAACAACGAGTACATTGTCCCCATGACGGAGGAGACGAAGAGCATCACCCTG-3'
Protein context (NP_001026.2, residues 1708-1728): DIHLSSYATA[Arg1718=]LMMNNEYIVP

ClinVar aggregate classification (germline): Benign/Likely benign. Review status: criteria provided, multiple submitters, no conflicts (2 of 4 stars). 16 submissions from 15 submitters: Benign (12); Likely benign (4). Last evaluated 2026-08-01.

Conditions:
Cardiomyopathy (CMYO). Also called: Cardiomyopathies. Identifiers: Orphanet 167848, MedGen C0878544, MONDO:0004994, HP:0001638. Inheritance: Various modes of inheritance.
Catecholaminergic polymorphic ventricular tachycardia 1. Also called: RYR2-Related Catecholaminergic Polymorphic Ventricular Tachycardia; VENTRICULAR TACHYCARDIA, STRESS-INDUCED POLYMORPHIC 1; VENTRICULAR TACHYCARDIA, CATECHOLAMINERGIC POLYMORPHIC, 1, WITH OR WITHOUT ATRIAL DYSFUNCTION AND/OR DILATED CARDIOMYOPATHY. Identifiers: Orphanet 3286, MedGen C1631597, MONDO:0011484, OMIM 604772.
Arrhythmogenic right ventricular dysplasia 2. Identifiers: MedGen C1832931.
Catecholaminergic polymorphic ventricular tachycardia (CVPT). Also called: Catecholamine-induced polymorphic ventricular tachycardia. Identifiers: Orphanet 3286, MedGen C5574922, MONDO:0017990.

Allele frequency attached by ClinVar (database versions not stated): 1000 Genomes Project 0.00579; ESP Exome Variant Server 0.00436; 1000 Genomes Project 30x 0.00578; TOPMed 0.00396.
gnomAD v4.1: 1,163 of 1,613,976 alleles (0.072%); highest among the groups gnomAD compares: African/African-American, 1.3%; 6 homozygotes.

Submissions (16):

CeGaT Center for Human Genetics Tuebingen
Classification: Likely benign. Last evaluated: 2026-08-01. Review status: criteria provided, single submitter. Criteria: CeGaT Center For Human Genetics Tuebingen Variant Classification Criteria Version 2. Collection method: clinical testing. Allele origin: germline. Affected: yes. Observed: 8 variant alleles.
Comment: RYR2: BP4, BP7, BS1

Labcorp Genetics (formerly Invitae), Labcorp
Classification: Benign for Catecholaminergic polymorphic ventricular tachycardia 1. Last evaluated: 2026-01-28. Review status: criteria provided, single submitter. Criteria: Invitae Variant Classification Sherloc (09022015). Collection method: clinical testing. Allele origin: germline.

ARUP Laboratories, Molecular Genetics and Genomics, ARUP Laboratories
Classification: Benign. Last evaluated: 2025-05-20. Review status: criteria provided, single submitter. Criteria: ARUP Molecular Germline Variant Investigation Process 2024. Collection method: clinical testing. Allele origin: germline.

Molecular Diagnostic Laboratory for Inherited Cardiovascular Disease, Montreal Heart Institute
Classification: Benign. Last evaluated: 2025-04-09. Review status: criteria provided, single submitter. Criteria: ACMG Guidelines, 2015. Collection method: clinical testing. Allele origin: germline. Affected: no.

Blueprint Genetics
Classification: Likely benign. Last evaluated: 2024-10-22. Review status: criteria provided, single submitter. Criteria: ACMG Guidelines, 2015. Collection method: clinical testing. Allele origin: germline.

All of Us Research Program, National Institutes of Health
Classification: Benign for Catecholaminergic polymorphic ventricular tachycardia. Last evaluated: 2024-02-05. Review status: criteria provided, single submitter. Criteria: ACMG Guidelines, 2015. Collection method: clinical testing. Allele origin: germline. Inheritance: Autosomal dominant inheritance. Observed: 230 variant alleles, 230 heterozygotes.
Comment: This study involves interpretation of variants in research participants for the purpose of population health screening. Participant phenotype was not available at the time of variant classification. Additional details can be found in publication PMID: 35346344, PMCID: PMC8962531

Women's Health and Genetics/Laboratory Corporation of America, LabCorp
Classification: Benign. Last evaluated: 2019-07-04. Review status: criteria provided, single submitter. Criteria: LabCorp Variant Classification Summary - May 2015. Collection method: clinical testing. Allele origin: germline.

Color Diagnostics, LLC DBA Color Health
Classification: Benign for Cardiomyopathy. Last evaluated: 2018-08-17. Review status: criteria provided, single submitter. Criteria: ACMG Guidelines, 2015. Collection method: clinical testing. Allele origin: germline.

Illumina Laboratory Services, Illumina
Classification: Likely benign for Catecholaminergic polymorphic ventricular tachycardia 1. Last evaluated: 2018-01-13. Review status: criteria provided, single submitter. Criteria: ICSL Variant Classification Criteria 13 December 2019. Collection method: clinical testing. Allele origin: germline.
Comment: This variant was observed in the ICSL laboratory as part of a predisposition screen in an ostensibly healthy population. It had not been previously curated by ICSL or reported in the Human Gene Mutation Database (HGMD: prior to June 1st, 2018), and was therefore a candidate for classification through an automated scoring system. Utilizing variant allele frequency, disease prevalence and penetrance estimates, and inheritance mode, an automated score was calculated to assess if this variant is too frequent to cause the disease. Based on the score and internal cut-off values, a variant classified as likely benign is not then subjected to further curation. The score for this variant resulted in a classification of likely benign for this disease.

Illumina Laboratory Services, Illumina
Classification: Benign for Catecholaminergic polymorphic ventricular tachycardia 1. Last evaluated: 2018-01-13. Review status: criteria provided, single submitter. Criteria: ICSL Variant Classification Criteria 13 December 2019. Collection method: clinical testing. Allele origin: germline.
Comment: This variant was observed in the ICSL laboratory as part of a predisposition screen in an ostensibly healthy population. It had not been previously curated by ICSL or reported in the Human Gene Mutation Database (HGMD: prior to June 1st, 2018), and was therefore a candidate for classification through an automated scoring system. Utilizing variant allele frequency, disease prevalence and penetrance estimates, and inheritance mode, an automated score was calculated to assess if this variant is too frequent to cause the disease. Based on the score and internal cut-off values, a variant classified as benign is not then subjected to further curation. The score for this variant resulted in a classification of benign for this disease.

CHEO Genetics Diagnostic Laboratory, Children's Hospital of Eastern Ontario
Classification: Benign for Cardiomyopathy. Last evaluated: 2016-10-11. Review status: criteria provided, single submitter. Criteria: ACMG Guidelines, 2015. Collection method: clinical testing. Allele origin: germline. Study: Canadian Open Genetics Repository.

Mayo Clinic Laboratories, Mayo Clinic
Classification: Benign. Last evaluated: 2015-10-30. Review status: criteria provided, single submitter. Criteria: ACMG Guidelines, 2015. Collection method: clinical testing. Allele origin: germline. Observed: 11 variant alleles.

Eurofins Ntd Llc (ga)
Classification: Benign. Last evaluated: 2014-01-07. Review status: criteria provided, single submitter. Criteria: EGL Classification Definitions 2015. Collection method: clinical testing. Allele origin: germline. Observed: 1 variant allele, 1 heterozygote.

GeneDx
Classification: Benign. Last evaluated: 2013-05-07. Review status: criteria provided, single submitter. Criteria: GeneDx Variant Classification (06012015). Collection method: clinical testing. Allele origin: germline. Affected: yes.
Comment: This variant is considered likely benign or benign based on one or more of the following criteria: it is a conservative change, it occurs at a poorly conserved position in the protein, it is predicted to be benign by multiple in silico algorithms, and/or has population frequency not consistent with disease.

Laboratory for Molecular Medicine, Mass General Brigham Personalized Medicine
Classification: Benign. Last evaluated: 2012-04-12. Review status: criteria provided, single submitter. Criteria: LMM Criteria. Collection method: clinical testing. Allele origin: germline. Observed: 9 variant alleles.
Comment: Arg1718Arg in Exon 37 of RYR2: This variant is not expected to have clinical sig nificance because it does not alter an amino acid residue, is not located within the splice consensus sequence and has been identified in 1.3% (46/3638) of Afri can American chromosomes from a broad population by the NHLBI Exome Sequencing P roject (dbSNP rs114534505).

Breakthrough Genomics
Classification: Likely benign. Review status: criteria provided, single submitter. Criteria: ACMG Guidelines, 2015. Collection method: not provided. Allele origin: germline. Inheritance: Autosomal dominant inheritance. Affected: yes.